The following is an entry in ClinVar:

ClinVar aggregate classification (germline): Pathogenic/Likely pathogenic. Review status: criteria provided, multiple submitters, no conflicts (2 of 4 stars). 4 submissions from 4 submitters: Pathogenic (3); Likely pathogenic (1). Last evaluated 2024-04-26.

Conditions:
Early-infantile DEE. Also called: Early infantile epileptic encephalopathy with suppression bursts; Early infantile epileptic encephalopathy; Ohtahara syndrome. Identifiers: Orphanet 1934, MedGen C0393706, MONDO:0800491.
Inborn genetic diseases. Identifiers: MedGen C0950123, MeSH D030342.
Developmental and epileptic encephalopathy, 15 (DEE15). Also called: Early infantile epileptic encephalopathy 15. Identifiers: Orphanet 3451, MedGen C3554316, MONDO:0014003, OMIM 615006.
Intellectual developmental disorder, autosomal recessive 12. Also called: Intellectual disability, autosomal recessive 12. Identifiers: Orphanet 88616, MedGen C1970200, MONDO:0012612, OMIM 611090.

Allele frequency attached by ClinVar (database versions not stated): TOPMed below 0.00001; gnomAD 0.00001; gnomAD exomes 0.00001 and below 0.00001.

Submissions (4):

GeneDx
Classification: Likely pathogenic. Last evaluated: 2024-04-26. Review status: criteria provided, single submitter. Criteria: GeneDx Variant Classification Process June 2021. Collection method: clinical testing. Allele origin: germline. Affected: yes.
Comment: Nonsense variant predicted to result in protein truncation or nonsense mediated decay in a gene for which loss of function is a known mechanism of disease; Not observed at significant frequency in large population cohorts (gnomAD); Observed with another ST3GAL3 variant on the opposite allele (in trans) in two siblings with global developmental delay, childhood onset seizures, hypotonia, and motor and language impairment in the published literature (PMID: 37067065); This variant is associated with the following publications: (PMID: 37067065, 37938134)

Labcorp Genetics (formerly Invitae), Labcorp
Classification: Pathogenic for Early-infantile DEE. Last evaluated: 2022-06-24. Review status: criteria provided, single submitter. Criteria: Invitae Variant Classification Sherloc (09022015). Collection method: clinical testing. Allele origin: germline.
Comment: This sequence change creates a premature translational stop signal (p.Arg261*) in the ST3GAL3 gene. It is expected to result in an absent or disrupted protein product. Loss-of-function variants in ST3GAL3 are known to be pathogenic (PMID: 31584066). This variant is present in population databases (no rsID available, gnomAD 0.003%). This variant has not been reported in the literature in individuals affected with ST3GAL3-related conditions. For these reasons, this variant has been classified as Pathogenic.

Ambry Genetics
Classification: Pathogenic for Inborn genetic diseases. Last evaluated: 2018-03-09. Review status: criteria provided, single submitter. Criteria: Ambry Variant Classification Scheme 2023. Collection method: clinical testing. Allele origin: germline.
Comment: The p.R261* pathogenic mutation (also known as c.781C>T), located in coding exon 9 of the ST3GAL3 gene, results from a C to T substitution at nucleotide position 781. This changes the amino acid from an arginine to a stop codon within coding exon 9. This alteration is expected to result in loss of function by premature protein truncation or nonsense-mediated mRNA decay. As such, this alteration is interpreted as a disease-causing mutation.

Center for Genomics, Ann and Robert H. Lurie Children's Hospital of Chicago
Classification: Pathogenic for Developmental and epileptic encephalopathy, 15; Intellectual developmental disorder, autosomal recessive 12. Review status: criteria provided, single submitter. Criteria: ACMG Guidelines, 2015. Collection method: clinical testing. Allele origin: germline.
Comment: This variant has not been reported in the literature but is present in the Genome Aggregation Database (Highest reported MAF 0.001% (1/68000). This variant is present in ClinVar (Variation ID:1452219). Evolutionary conservation and computational predictive tools for this variant are limited or unavailable. This variant creates a premature stop at this codon which results in an absent or abnormal protein. Loss of function variants have been reported in association with disease for this gene (Indellicato 2020 PMID:31584066). In summary, data on this variant is highly suspicious for disease, but requires further evidence for pathogenicity. Therefore, this variant is classified as likely pathogenic.

Literature cited by the submitters: PubMed 31584066 (cited by Labcorp Genetics (formerly Invitae), Labcorp).

NM_006279.5(ST3GAL3):c.781C>T (p.Arg261Ter)

Gene: ST3GAL3 (ST3 beta-galactoside alpha-2,3-sialyltransferase 3; plus strand). Cytogenetic location: 1p34.1.
Variant type: single nucleotide variant.
Coding change: c.781C>T on transcript NM_006279.5 (MANE Select); coding-DNA position 781, C replaced by T.
Protein change: p.Arg261Ter; replaces arginine 261 with a stop codon.
Molecular consequence: nonsense. On other transcripts: non-coding transcript variant (6), intron variant (12).
Genome position (GRCh38, 1-based): chr1:43,920,440, C>T. VCF-style: chr1-43920440-C-T. GRCh37 (hg19) VCF-style: chr1-44386112-C-T.
Other names: c.781C>T, p.Arg261Ter (NM_001350620.2); c.502C>T, p.Arg168Ter (NM_001350621.2); c.988C>T, p.Arg330Ter (NM_174963.5); c.826C>T, p.Arg276Ter (NM_174964.4, NM_001350619.2); c.688C>T, p.Arg230Ter (NM_001270460.2); c.943C>T, p.Arg315Ter (NM_174968.5); c.733C>T, p.Arg245Ter (NM_174969.4); c.895C>T, p.Arg299Ter (NM_174971.5); and 12 more; short protein forms R168*, R276*, R230*, R315*, R245*, R261*, R299*, R330*.
Identifiers: ClinVar variation 1452219 (VCV001452219.11), dbSNP rs1195818093, ClinGen allele CA340031557.
Genomic context (GRCh38, chr1:43,920,440, plus strand): 5'-GGCCCGCTTTTGCTGTGTCCACAGAGTGCATCGGATGGCTTCTGGAAATCTGTGGCCACT[C>T]GAGTGCCCAAGGAGCCCCCTGAGATTCGAATCCTCAACCCATATTTCATCCAGGAGGCCG-3'